The following is an entry in ClinVar:

NM_173689.7(CRB2):c.941-3C>T

Gene: CRB2 (crumbs cell polarity complex component 2; plus strand). Cytogenetic location: 9q33.3.
Variant type: single nucleotide variant.
Coding change: c.941-3C>T on transcript NM_173689.7 (MANE Select); 3 bases into the intron before coding-DNA position 941, C replaced by T.
Molecular consequence: intron variant.
Genome position (GRCh38, 1-based): chr9:123,367,570, C>T. VCF-style: chr9-123367570-C-T. GRCh37 (hg19) VCF-style: chr9-126129849-C-T.
Identifiers: ClinVar variation 1644210 (VCV001644210.9), dbSNP rs537615209, ClinGen allele CA5231852.

ClinVar aggregate classification (germline): Conflicting classifications of pathogenicity. Review status: criteria provided, conflicting classifications (1 of 4 stars). 3 submissions from 3 submitters: Uncertain significance (1); Likely benign (2). Last evaluated 2026-01-29.

Allele frequency attached by ClinVar (database versions not stated): gnomAD 0.00002 and 0.00021; TOPMed 0.00004; gnomAD exomes 0.00031 and 0.00081; 1000 Genomes Project 0.00160; 1000 Genomes Project 30x 0.00172; ExAC 0.00192.
gnomAD v4.1: 475 of 1,551,686 alleles (0.031%); highest among the groups gnomAD compares: South Asian, 0.53%; 6 homozygotes.

Submissions (3):

Labcorp Genetics (formerly Invitae), Labcorp
Classification: Likely benign. Last evaluated: 2026-01-29. Review status: criteria provided, single submitter. Criteria: Invitae Variant Classification Sherloc (09022015). Collection method: clinical testing. Allele origin: germline.

Blueprint Genetics
Classification: Likely benign. Last evaluated: 2024-11-19. Review status: criteria provided, single submitter. Criteria: ACMG Guidelines, 2015. Collection method: clinical testing. Allele origin: germline.

GeneDx
Classification: Uncertain significance. Last evaluated: 2024-08-12. Review status: criteria provided, single submitter. Criteria: GeneDx Variant Classification Process June 2021. Collection method: clinical testing. Allele origin: germline. Affected: yes.
Comment: In silico analysis indicates that this variant does not alter splicing; This variant is associated with the following publications: (PMID: 35990031, 36556986)